The following is an entry in ClinVar:

NM_000059.4(BRCA2):c.5237_5238dup (p.Asn1747fs)

Gene: BRCA2 (BRCA2 DNA repair associated; plus strand). Cytogenetic location: 13q13.1.
Variant type: Duplication.
Coding change: c.5237_5238dup on transcript NM_000059.4 (MANE Select); coding-DNA positions 5237 to 5238, 2 bases duplicated (CT; older notation c.5237_5238dupCT).
Protein change: p.Asn1747fs; shifts the reading frame from asparagine 1747.
Molecular consequence: frameshift variant.
Genome position (GRCh38, 1-based): chr13:32,339,592-32,339,593, CT duplicated; duplicating any 2 consecutive bases within chr13:32,339,591-32,339,593 gives the same sequence; the c. name uses the placement nearest the transcript's 3' end. VCF-style (leftmost placement, unchanged base first): chr13-32339590-G-GTC. GRCh37 (hg19) VCF-style: chr13-32913727-G-GTC.
Other names: 5465insT; short protein forms N1747fs.
Identifiers: ClinVar variation 236279 (VCV000236279.2), dbSNP rs1555284127, ClinGen allele CA10581588.
Genomic context (GRCh38, chr13:32,339,590, plus strand): 5'-TGAAAATGACAAAAATCATCTCTCCGAAAAACAAGATACTTATTTAAGTAACAGTAGCAT[G>GTC]TCTAACAGCTATTCCTACCATTCTGATGAGGTATATAATGATTCAGGATATCTCTCAAAA-3'

ClinVar aggregate classification (germline): Pathogenic (3 of 4 stars; one submission).

Conditions:
Breast-ovarian cancer, familial, susceptibility to, 2 (BROVCA2). Also called: BRCA2 Hereditary Breast and Ovarian Cancer. Identifiers: Orphanet 145, MedGen C2675520, MONDO:0012933, OMIM 612555. Disease mechanism: loss of function.

Submission:

Evidence-based Network for the Interpretation of Germline Mutant Alleles (ENIGMA)
Classification: Pathogenic for Breast-ovarian cancer, familial, susceptibility to, 2. Last evaluated: 2016-04-22. Review status: reviewed by expert panel. Criteria: ENIGMA BRCA1/2 Classification Criteria (2015). Collection method: curation. Allele origin: germline.
Comment: Variant allele predicted to encode a truncated non-functional protein.